The following is an entry in ClinVar:

ClinVar aggregate classification (germline): Uncertain significance (1 of 4 stars; one submission).

Submission:

Women's Health and Genetics/Laboratory Corporation of America, LabCorp
Classification: Uncertain significance. Last evaluated: 2022-12-22. Review status: criteria provided, single submitter. Criteria: LabCorp Variant Classification Summary - May 2015. Collection method: clinical testing. Allele origin: germline.
Comment: Variant summary: SHOX c.486G>C (p.Gln162His) results in a non-conservative amino acid change located in the Homeobox domain (IPR001356) of the encoded protein sequence. Four of five in-silico tools predict a damaging effect of the variant on protein function. Several computational tools predict a significant impact on normal splicing: Four predict the variant weakens a 5' donor site. However, these predictions have yet to be confirmed by functional studies. The variant was absent in 162506 control chromosomes. The available data on variant occurrences in the general population are insufficient to allow any conclusion about variant significance. To our knowledge, no occurrence of c.486G>C in individuals affected with Leri-Weill Dyschondrosteosis and no experimental evidence demonstrating its impact on protein function have been reported. No clinical diagnostic laboratories have submitted clinical-significance assessments for this variant to ClinVar after 2014. Based on the evidence outlined above, the variant was classified as uncertain significance.

NM_000451.4(SHOX):c.486G>C (p.Gln162His)

Genes: SHOX (SHOX homeobox; plus strand), LOC107652445 (meiotic recombination hotspot SHOX; plus strand). Cytogenetic location: Xp22.33.
Variant type: single nucleotide variant.
Coding change: c.486G>C on transcript NM_000451.4 (MANE Select); coding-DNA position 486, G replaced by C.
Protein change: p.Gln162His; replaces glutamine 162 with histidine.
Molecular consequence: missense variant.
Genome position (GRCh38, 1-based): chrX:634,826, G>C. VCF-style: chrX-634826-G-C. GRCh37 (hg19) VCF-style: chrX-595561-G-C.
Other names: c.486G>C, p.Gln162His (NM_006883.2); short protein forms Q162H.
Identifiers: ClinVar variation 1878363 (VCV001878363.1), dbSNP rs2522102640, ClinGen allele CA412231593.